The following is an entry in ClinVar:

ClinVar aggregate classification (germline): Uncertain significance. Review status: criteria provided, multiple submitters, no conflicts (2 of 4 stars). 2 submissions from 2 submitters: Uncertain significance (2). Last evaluated 2022-09-28.

Conditions:
Tumor predisposition syndrome 3 (TPDS3). Also called: Melanoma, cutaneous malignant, susceptibility to, 10; Glioma susceptibility 9; LONG TELOMERE SYNDROME, POT1-RELATED; POT1 Tumor Predisposition. Identifiers: Orphanet 618, MedGen C4014476, MONDO:0014368, OMIM 615848.

Submissions (2):

GeneDx
Classification: Uncertain significance. Last evaluated: 2022-09-28. Review status: criteria provided, single submitter. Criteria: GeneDx Variant Classification Process June 2021. Collection method: clinical testing. Allele origin: germline. Affected: yes.
Comment: Not observed at significant frequency in large population cohorts (gnomAD); In silico analysis supports that this missense variant does not alter protein structure/function; Has not been previously published as pathogenic or benign to our knowledge; This variant is associated with the following publications: (PMID: 28393830)

Labcorp Genetics (formerly Invitae), Labcorp
Classification: Uncertain significance for Tumor predisposition syndrome 3. Last evaluated: 2019-09-07. Review status: criteria provided, single submitter. Criteria: Invitae Variant Classification Sherloc (09022015). Collection method: clinical testing. Allele origin: germline.
Comment: In summary, the available evidence is currently insufficient to determine the role of this variant in disease. Therefore, it has been classified as a Variant of Uncertain Significance. Algorithms developed to predict the effect of missense changes on protein structure and function output the following: SIFT: "Tolerated"; PolyPhen-2: "Benign"; Align-GVGD: "Class C0". The glycine amino acid residue is found in multiple mammalian species, suggesting that this missense change does not adversely affect protein function. These predictions have not been confirmed by published functional studies and their clinical significance is uncertain. This variant has not been reported in the literature in individuals with POT1-related conditions. This variant is not present in population databases (ExAC no frequency). This sequence change replaces aspartic acid with glycine at codon 578 of the POT1 protein (p.Asp578Gly). The aspartic acid residue is moderately conserved and there is a moderate physicochemical difference between aspartic acid and glycine.

NM_015450.3(POT1):c.1733A>G (p.Asp578Gly)

Gene: POT1 (protection of telomeres 1; minus strand). Cytogenetic location: 7q31.33.
Variant type: single nucleotide variant.
Coding change: c.1733A>G on transcript NM_015450.3 (MANE Select); coding-DNA position 1733, A replaced by G.
Protein change: p.Asp578Gly; replaces aspartic acid 578 with glycine.
Molecular consequence: missense variant. On other transcripts: non-coding transcript variant (3).
Genome position (GRCh38, 1-based): chr7:124,825,311, T>C on the plus strand (A>G on the coding strand, the complement: POT1 is on the minus strand). VCF-style: chr7-124825311-T-C. GRCh37 (hg19) VCF-style: chr7-124465365-T-C.
Other names: c.1340A>G, p.Asp447Gly (NM_001042594.2); short protein forms D578G, D447G.
Identifiers: ClinVar variation 963682 (VCV000963682.10), dbSNP rs1794603429, ClinGen allele CA369062371.